The following is an entry in ClinVar:

NM_138959.3(VANGL1):c.*2865A>G

Gene: VANGL1 (VANGL planar cell polarity protein 1; plus strand). Cytogenetic location: 1p13.1.
Variant type: single nucleotide variant.
Coding change: c.*2865A>G on transcript NM_138959.3 (MANE Select); 2865 bases downstream of the stop codon, A replaced by G.
Molecular consequence: 3 prime UTR variant.
Genome position (GRCh38, 1-based): chr1:115,694,244, A>G. VCF-style: chr1-115694244-A-G. GRCh37 (hg19) VCF-style: chr1-116236865-A-G.
Other names: c.*2865A>G (NM_001172411.2, NM_001172412.2).
Identifiers: ClinVar variation 292059 (VCV000292059.5), dbSNP rs114921471, ClinGen allele CA10607413.
Genomic context (GRCh38, chr1:115,694,244, plus strand): 5'-TCAAAATGTTAAGTCAAATCTGTAATACTTTGGCTAAAATTCATAAAGTAAGCCCTAGAG[A>G]AAATACTTGACCACCAAATTTTTGCCCAACTATCATCACCTCCCTTCCCCCGCCTCTGTT-3'

ClinVar aggregate classification (germline): Benign/Likely benign. Review status: criteria provided, single submitter (1 of 4 stars). 2 submissions from 1 submitter: Benign (1); Likely benign (1). Last evaluated 2018-01-12.

Conditions:
Sacral defect with anterior meningocele. Identifiers: MedGen C1838568, OMIM 600145.
Neural tube defect (NTD). Also called: Neural tube defects. Identifiers: Orphanet 3388, Orphanet 823, MedGen C0027794, MONDO:0018075, HP:0045005.

Allele frequency attached by ClinVar (database versions not stated): 1000 Genomes Project 0.00359; 1000 Genomes Project 30x 0.00375; gnomAD 0.00388 and 0.00424; TOPMed 0.00450.

Submissions (2):

Illumina Laboratory Services, Illumina
Classification: Likely benign for Neural tube defects, susceptibility to. Last evaluated: 2018-01-12. Review status: criteria provided, single submitter. Criteria: ICSL Variant Classification Criteria 13 December 2019. Collection method: clinical testing. Allele origin: germline.
Comment: This variant was observed in the ICSL laboratory as part of a predisposition screen in an ostensibly healthy population. It had not been previously curated by ICSL or reported in the Human Gene Mutation Database (HGMD: prior to June 1st, 2018), and was therefore a candidate for classification through an automated scoring system. Utilizing variant allele frequency, disease prevalence and penetrance estimates, and inheritance mode, an automated score was calculated to assess if this variant is too frequent to cause the disease. Based on the score and internal cut-off values, a variant classified as likely benign is not then subjected to further curation. The score for this variant resulted in a classification of likely benign for this disease.

Illumina Laboratory Services, Illumina
Classification: Benign for Sacral defect with anterior meningocele. Last evaluated: 2018-01-12. Review status: criteria provided, single submitter. Criteria: ICSL Variant Classification Criteria 13 December 2019. Collection method: clinical testing. Allele origin: germline.
Comment: This variant was observed in the ICSL laboratory as part of a predisposition screen in an ostensibly healthy population. It had not been previously curated by ICSL or reported in the Human Gene Mutation Database (HGMD: prior to June 1st, 2018), and was therefore a candidate for classification through an automated scoring system. Utilizing variant allele frequency, disease prevalence and penetrance estimates, and inheritance mode, an automated score was calculated to assess if this variant is too frequent to cause the disease. Based on the score and internal cut-off values, a variant classified as benign is not then subjected to further curation. The score for this variant resulted in a classification of benign for this disease.